The following is an entry in ClinVar:

ClinVar aggregate classification (germline): Uncertain significance. Review status: criteria provided, multiple submitters, no conflicts (2 of 4 stars). 2 submissions from 2 submitters: Uncertain significance (2). Last evaluated 2024-11-11.

Conditions:
Autosomal recessive limb-girdle muscular dystrophy type 2J (LGMDR10). Also called: MUSCULAR DYSTROPHY, LIMB-GIRDLE, AUTOSOMAL RECESSIVE 10; Limb-girdle muscular dystrophy, type 2J. Identifiers: Orphanet 140922, MedGen C1837342, MONDO:0012127, OMIM 608807.
Dilated cardiomyopathy 1G (CMD1G). Identifiers: Orphanet 154, MedGen C1858763, MONDO:0011400, OMIM 604145.

Allele frequency attached by ClinVar (database versions not stated): gnomAD exomes 0.00001; TOPMed 0.00003; gnomAD 0.00004.
gnomAD v4.1: 12 of 1,612,346 alleles (0.00074%); highest among the groups gnomAD compares: Middle Eastern, 0.016%; no homozygotes.

Submissions (2):

Labcorp Genetics (formerly Invitae), Labcorp
Classification: Uncertain significance for Dilated cardiomyopathy 1G; Autosomal recessive limb-girdle muscular dystrophy type 2J. Last evaluated: 2024-11-11. Review status: criteria provided, single submitter. Criteria: Invitae Variant Classification Sherloc (09022015). Collection method: clinical testing. Allele origin: germline.
Comment: This sequence change replaces aspartic acid, which is acidic and polar, with asparagine, which is neutral and polar, at codon 35659 of the TTN protein (p.Asp35659Asn). This variant is present in population databases (no rsID available, gnomAD 0.004%). This variant has not been reported in the literature in individuals affected with TTN-related conditions. ClinVar contains an entry for this variant (Variation ID: 499681). Experimental studies and prediction algorithms are not available or were not evaluated, and the functional significance of this variant is currently unknown. This variant is located in the M band of TTN (PMID: 25589632). Non-truncating variants in this region may be relevant for neuromuscular disorders, but have not been definitively shown to cause cardiomyopathy (PMID: 23975875). In summary, the available evidence is currently insufficient to determine the role of this variant in disease. Therefore, it has been classified as a Variant of Uncertain Significance.

Eurofins Ntd Llc (ga)
Classification: Uncertain significance. Last evaluated: 2017-01-05. Review status: criteria provided, single submitter. Criteria: EGL Classification Definitions 2015. Collection method: clinical testing. Allele origin: germline. Observed: 1 variant allele, 1 heterozygote.

Literature cited by the submitters: PubMed 25589632 (cited by Labcorp Genetics (formerly Invitae), Labcorp); PubMed 23975875 (cited by Labcorp Genetics (formerly Invitae), Labcorp).

NM_001267550.2(TTN):c.106975G>A (p.Asp35659Asn)

Genes: TTN (titin; minus strand), TTN-AS1 (TTN antisense RNA 1; plus strand). Cytogenetic location: 2q31.2.
Variant type: single nucleotide variant.
Coding change: c.106975G>A on transcript NM_001267550.2 (MANE Select); coding-DNA position 106975, G replaced by A.
Protein change: p.Asp35659Asn; replaces aspartic acid 35659 with asparagine.
Molecular consequence: missense variant.
Genome position (GRCh38, 1-based): chr2:178,528,776, C>T on the plus strand (G>A on the coding strand, the complement: TTN is on the minus strand). VCF-style: chr2-178528776-C-T. GRCh37 (hg19) VCF-style: chr2-179393503-C-T.
Other names: c.102052G>A, p.Asp34018Asn (NM_001256850.1); c.79780G>A, p.Asp26594Asn (NM_003319.4); c.99271G>A, p.Asp33091Asn (NM_133378.4); c.80155G>A, p.Asp26719Asn (NM_133432.3); c.80356G>A, p.Asp26786Asn (NM_133437.4); short protein forms D33091N, D35659N, D26786N, D26719N, D26594N, D34018N.
Identifiers: ClinVar variation 499681 (VCV000499681.9), dbSNP rs878992336, ClinGen allele CA60950463.